The following is an entry in ClinVar:

ClinVar aggregate classification (germline): Uncertain significance (1 of 4 stars; one submission).

gnomAD v4.1: 13 of 1,037,266 alleles (0.0013%); highest among the groups gnomAD compares: Non-Finnish European, 0.0014%; no homozygotes.

Submission:

GeneDx
Classification: Uncertain significance. Last evaluated: 2026-02-20. Review status: criteria provided, single submitter. Criteria: GeneDx Variant Classification Process June 2021. Collection method: clinical testing. Allele origin: germline.
Comment: Not observed at significant frequency in large population cohorts (gnomAD); In silico analysis suggests that this missense variant does not alter protein structure/function; Has not been previously published as pathogenic or benign to our knowledge

NM_182641.4(BPTF):c.65C>G (p.Pro22Arg)

Gene: BPTF (bromodomain PHD finger transcription factor; plus strand). Cytogenetic location: 17q24.2.
Variant type: single nucleotide variant.
Coding change: c.65C>G on transcript NM_182641.4 (MANE Select); coding-DNA position 65, C replaced by G.
Protein change: p.Pro22Arg; replaces proline 22 with arginine.
Molecular consequence: missense variant.
Genome position (GRCh38, 1-based): chr17:67,825,789, C>G. VCF-style: chr17-67825789-C-G. GRCh37 (hg19) VCF-style: chr17-65821905-C-G.
Other names: c.65C>G, p.Pro22Arg (NM_001439139.1, NM_001439140.1, NM_001439141.1 and 4 more transcripts); short protein forms P22R.
Identifiers: ClinVar variation 5008793 (VCV005008793.1).